The following is an entry in ClinVar:

NM_005918.4(MDH2):c.289G>A (p.Val97Ile)

Gene: MDH2 (malate dehydrogenase 2; plus strand). Cytogenetic location: 7q11.23.
Variant type: single nucleotide variant.
Coding change: c.289G>A on transcript NM_005918.4 (MANE Select); coding-DNA position 289, G replaced by A.
Protein change: p.Val97Ile; replaces valine 97 with isoleucine.
Molecular consequence: missense variant. On other transcripts: 5 prime UTR variant (1).
Genome position (GRCh38, 1-based): chr7:76,057,463, G>A. VCF-style: chr7-76057463-G-A. GRCh37 (hg19) VCF-style: chr7-75686781-G-A.
Other names: c.289G>A, p.Val97Ile (NM_001282403.2); c.-33G>A (NM_001282404.2); short protein forms V97I.
Identifiers: ClinVar variation 1797397 (VCV001797397.2), dbSNP rs1011450295, ClinGen allele CA367763520.

ClinVar aggregate classification (germline): Uncertain significance (1 of 4 stars; one submission).

Conditions:
Inborn genetic diseases. Identifiers: MedGen C0950123, MeSH D030342.

Submission:

Ambry Genetics
Classification: Uncertain significance for Inborn genetic diseases. Last evaluated: 2022-07-17. Review status: criteria provided, single submitter. Criteria: Ambry Variant Classification Scheme 2023. Collection method: clinical testing. Allele origin: germline.
Comment: The p.V97I variant (also known as c.289G>A), located in coding exon 3 of the MDH2 gene, results from a G to A substitution at nucleotide position 289. The valine at codon 97 is replaced by isoleucine, an amino acid with highly similar properties. This amino acid position is conserved. In addition, this alteration is predicted to be tolerated by in silico analysis. Since supporting evidence is limited at this time, the clinical significance of this alteration remains unclear.